The following is an entry in ClinVar:

NM_001003841.3(SLC6A19):c.1105G>A (p.Ala369Thr)

Gene: SLC6A19 (solute carrier family 6 member 19; plus strand). Cytogenetic location: 5p15.33.
Variant type: single nucleotide variant.
Coding change: c.1105G>A on transcript NM_001003841.3 (MANE Select); coding-DNA position 1105, G replaced by A.
Protein change: p.Ala369Thr; replaces alanine 369 with threonine.
Molecular consequence: missense variant.
Genome position (GRCh38, 1-based): chr5:1,216,877, G>A. VCF-style: chr5-1216877-G-A. GRCh37 (hg19) VCF-style: chr5-1216992-G-A.
Other names: short protein forms A369T.
Identifiers: ClinVar variation 3591633 (VCV003591633.2).

ClinVar aggregate classification (germline): Uncertain significance. Review status: criteria provided, multiple submitters, no conflicts (2 of 4 stars). 2 submissions from 2 submitters: Uncertain significance (2). Last evaluated 2024-05-29.

Conditions:
Neutral 1 amino acid transport defect (HND). Also called: HARTNUP DISORDER; Hartnup disease. Identifiers: Orphanet 2116, MedGen C0018609, MONDO:0009324, OMIM 234500.

gnomAD v4.1: 34 of 1,613,592 alleles (0.0021%); highest among the groups gnomAD compares: African/African-American, 0.008%; no homozygotes.

Submissions (2):

Fulgent Genetics
Classification: Uncertain significance for Neutral 1 amino acid transport defect. Last evaluated: 2024-05-29. Review status: criteria provided, single submitter. Criteria: ACMG Guidelines, 2015. Collection method: clinical testing. Allele origin: germline.

Labcorp Genetics (formerly Invitae), Labcorp
Classification: Uncertain significance. Last evaluated: 2024-04-15. Review status: criteria provided, single submitter. Criteria: Invitae Variant Classification Sherloc (09022015). Collection method: clinical testing. Allele origin: germline.
Comment: This sequence change replaces alanine, which is neutral and non-polar, with threonine, which is neutral and polar, at codon 369 of the SLC6A19 protein (p.Ala369Thr). This variant is present in population databases (rs751744792, gnomAD 0.01%). This variant has not been reported in the literature in individuals affected with SLC6A19-related conditions. Advanced modeling of protein sequence and biophysical properties (such as structural, functional, and spatial information, amino acid conservation, physicochemical variation, residue mobility, and thermodynamic stability) performed at Invitae indicates that this missense variant is not expected to disrupt SLC6A19 protein function with a negative predictive value of 95%. In summary, the available evidence is currently insufficient to determine the role of this variant in disease. Therefore, it has been classified as a Variant of Uncertain Significance.